The following is an entry in ClinVar:

NM_001253697.2(ERBIN):c.4037C>A (p.Pro1346Gln)

Gene: ERBIN (erbb2 interacting protein; plus strand). Cytogenetic location: 5q12.3.
Variant type: single nucleotide variant.
Coding change: c.4037C>A on transcript NM_001253697.2 (MANE Select); coding-DNA position 4037, C replaced by A.
Protein change: p.Pro1346Gln; replaces proline 1346 with glutamine.
Molecular consequence: missense variant.
Genome position (GRCh38, 1-based): chr5:66,076,389, C>A. VCF-style: chr5-66076389-C-A. GRCh37 (hg19) VCF-style: chr5-65372217-C-A.
Other names: c.3707C>A, p.Pro1236Gln (NM_001006600.3); c.3914C>A, p.Pro1305Gln (NM_001253698.2, NM_018695.4); c.4058C>A, p.Pro1353Gln (NM_001253699.2); c.3902C>A, p.Pro1301Gln (NM_001253701.2); short protein forms P1236Q, P1301Q, P1305Q, P1346Q, P1353Q.
Identifiers: ClinVar variation 2859588 (VCV002859588.3), dbSNP rs2546888380, ClinGen allele CA359871511.

ClinVar aggregate classification (germline): Uncertain significance (1 of 4 stars; one submission).

Submission:

Labcorp Genetics (formerly Invitae), Labcorp
Classification: Uncertain significance. Last evaluated: 2025-11-03. Review status: criteria provided, single submitter. Criteria: Invitae Variant Classification Sherloc (09022015). Collection method: clinical testing. Allele origin: germline.
Comment: This sequence change replaces proline, which is neutral and non-polar, with glutamine, which is neutral and polar, at codon 1346 of the ERBIN protein (p.Pro1346Gln). This variant is not present in population databases (gnomAD no frequency). This variant has not been reported in the literature in individuals affected with ERBIN-related conditions. ClinVar contains an entry for this variant (Variation ID: 2859588). An algorithm developed to predict the effect of missense changes on protein structure and function (PolyPhen-2) suggests that this variant is likely to be disruptive. In summary, the available evidence is currently insufficient to determine the role of this variant in disease. Therefore, it has been classified as a Variant of Uncertain Significance.